The following is an entry in ClinVar:

NM_001376.5(DYNC1H1):c.7927C>T (p.Arg2643Cys)

Gene: DYNC1H1 (dynein cytoplasmic 1 heavy chain 1; plus strand). Cytogenetic location: 14q32.31.
Variant type: single nucleotide variant.
Coding change: c.7927C>T on transcript NM_001376.5 (MANE Select); coding-DNA position 7927, C replaced by T.
Protein change: p.Arg2643Cys; replaces arginine 2643 with cysteine.
Molecular consequence: missense variant.
Genome position (GRCh38, 1-based): chr14:102,017,166, C>T. VCF-style: chr14-102017166-C-T. GRCh37 (hg19) VCF-style: chr14-102483503-C-T.
Other names: short protein forms R2643C.
Identifiers: ClinVar variation 3636161 (VCV003636161.2).
Genomic context (GRCh38, chr14:102,017,166, plus strand): 5'-TCCAGTGCTACTACTCCAGAGCTGCTTCTGAAGACTTTTGATCACTACTGCGAGTACAGG[C>T]GCACACCTAATGGGGTGGTTTTGGCTCCTGTTCAACTTGGAAAGTGGCTGGTGTTGTTCT-3'
Protein context (NP_001367.2, residues 2633-2653): KTFDHYCEYR[Arg2643Cys]TPNGVVLAPV

ClinVar aggregate classification (germline): Uncertain significance (1 of 4 stars; one submission).

Conditions:
Charcot-Marie-Tooth disease axonal type 2O. Also called: Charcot-Marie-Tooth disease, axonal, type 20; CHARCOT-MARIE-TOOTH NEUROPATHY, AXONAL, TYPE 2O; CHARCOT-MARIE-TOOTH DISEASE, AXONAL, AUTOSOMAL DOMINANT, TYPE 2O; Charcot-Marie-Tooth Neuropathy Type 2O. Identifiers: Orphanet 284232, MedGen C3280220, MONDO:0013644, OMIM 614228.

gnomAD v4.1: 1 of 1,614,218 alleles (0.000062%); highest among the groups gnomAD compares: Non-Finnish European, 0.000085%; no homozygotes.

Submission:

Labcorp Genetics (formerly Invitae), Labcorp
Classification: Uncertain significance for Charcot-Marie-Tooth disease axonal type 2O. Last evaluated: 2024-04-26. Review status: criteria provided, single submitter. Criteria: Invitae Variant Classification Sherloc (09022015). Collection method: clinical testing. Allele origin: germline.
Comment: This sequence change replaces arginine, which is basic and polar, with cysteine, which is neutral and slightly polar, at codon 2643 of the DYNC1H1 protein (p.Arg2643Cys). This variant is not present in population databases (gnomAD no frequency). This variant has not been reported in the literature in individuals affected with DYNC1H1-related conditions. Advanced modeling of protein sequence and biophysical properties (such as structural, functional, and spatial information, amino acid conservation, physicochemical variation, residue mobility, and thermodynamic stability) has been performed at Invitae for this missense variant, however the output from this modeling did not meet the statistical confidence thresholds required to predict the impact of this variant on DYNC1H1 protein function. In summary, the available evidence is currently insufficient to determine the role of this variant in disease. Therefore, it has been classified as a Variant of Uncertain Significance.